The following is an entry in ClinVar:

ClinVar aggregate classification (germline): Uncertain significance (1 of 4 stars; one submission).

Submission:

Greenwood Genetic Center Diagnostic Laboratories, Greenwood Genetic Center
Classification: Uncertain significance. Last evaluated: 2025-03-19. Review status: criteria provided, single submitter. Criteria: ACMG Guidelines, 2015. Collection method: clinical testing. Allele origin: germline.
Comment: PM2, BP4

NM_001453.3(FOXC1):c.719T>A (p.Leu240Gln)

Gene: FOXC1 (forkhead box C1; plus strand). Cytogenetic location: 6p25.3.
Variant type: single nucleotide variant.
Coding change: c.719T>A on transcript NM_001453.3 (MANE Select); coding-DNA position 719, T replaced by A.
Protein change: p.Leu240Gln; replaces leucine 240 with glutamine.
Molecular consequence: missense variant.
Genome position (GRCh38, 1-based): chr6:1,611,164, T>A. VCF-style: chr6-1611164-T-A. GRCh37 (hg19) VCF-style: chr6-1611399-T-A.
Other names: short protein forms L240Q.
Identifiers: ClinVar variation 4850832 (VCV004850832.1).